The following is an entry in ClinVar:

ClinVar aggregate classification (germline): Uncertain significance (1 of 4 stars; one submission).

Conditions:
Adams-Oliver syndrome 4 (AOS4). Identifiers: Orphanet 974, MedGen C3809092, MONDO:0014124, OMIM 615297.

Submission:

Labcorp Genetics (formerly Invitae), Labcorp
Classification: Uncertain significance for Adams-Oliver syndrome 4. Last evaluated: 2023-11-27. Review status: criteria provided, single submitter. Criteria: Invitae Variant Classification Sherloc (09022015). Collection method: clinical testing. Allele origin: germline.
Comment: This sequence change replaces proline, which is neutral and non-polar, with arginine, which is basic and polar, at codon 234 of the EOGT protein (p.Pro234Arg). This variant is not present in population databases (gnomAD no frequency). This variant has not been reported in the literature in individuals affected with EOGT-related conditions. ClinVar contains an entry for this variant (Variation ID: 1468545). Advanced modeling of protein sequence and biophysical properties (such as structural, functional, and spatial information, amino acid conservation, physicochemical variation, residue mobility, and thermodynamic stability) performed at Invitae indicates that this missense variant is expected to disrupt EOGT protein function with a positive predictive value of 80%. In summary, the available evidence is currently insufficient to determine the role of this variant in disease. Therefore, it has been classified as a Variant of Uncertain Significance.

NM_001278689.2(EOGT):c.701C>G (p.Pro234Arg)

Gene: EOGT (EGF domain specific O-linked N-acetylglucosamine transferase; minus strand). Cytogenetic location: 3p14.1.
Variant type: single nucleotide variant.
Coding change: c.701C>G on transcript NM_001278689.2 (MANE Select); coding-DNA position 701, C replaced by G.
Protein change: p.Pro234Arg; replaces proline 234 with arginine.
Molecular consequence: missense variant.
Genome position (GRCh38, 1-based): chr3:69,001,634, G>C on the plus strand (C>G on the coding strand, the complement: EOGT is on the minus strand). VCF-style: chr3-69001634-G-C. GRCh37 (hg19) VCF-style: chr3-69050785-G-C.
Other names: c.701C>G, p.Pro234Arg (NM_173654.3); short protein forms P234R.
Identifiers: ClinVar variation 1468545 (VCV001468545.8), dbSNP rs766531917, ClinGen allele CA353467071.